The following is an entry in ClinVar:

ClinVar aggregate classification (germline): Pathogenic. Review status: criteria provided, single submitter (1 of 4 stars). 2 submissions from 2 submitters: Pathogenic (1). 1 of the submissions does not count toward it. Last evaluated 2022-04-17.

Conditions:
Tuberous sclerosis syndrome (TSC). Also called: Tuberous Sclerosis Complex; Tuberous sclerosis. Identifiers: Orphanet 805, MedGen C0041341, MONDO:0001734.

Submissions (2):

GeneDx
Classification: Pathogenic. Last evaluated: 2022-04-17. Review status: criteria provided, single submitter. Criteria: GeneDx Variant Classification Process June 2021. Collection method: clinical testing. Allele origin: germline. Affected: yes.
Comment: Nonsense variant predicted to result in protein truncation or nonsense-mediated decay in a gene for which loss of function is a known mechanism of disease; Not observed at significant frequency in large population cohorts (gnomAD); This variant is associated with the following publications: (PMID: 25525159, 32211034, 30144504, 24622468)

Tuberous sclerosis database (TSC2)
No classification provided. Condition: TSC. Review status: no classification provided. Criteria: Tuberous Sclerosis Database Assertion Criteria 2015. Collection method: curation. Allele origin: germline. Affected: yes. Not counted in ClinVar's aggregate classification.

NM_000548.5(TSC2):c.2380C>T (p.Gln794Ter)

Gene: TSC2 (TSC complex subunit 2; plus strand). Cytogenetic location: 16p13.3.
Variant type: single nucleotide variant.
Coding change: c.2380C>T on transcript NM_000548.5 (MANE Select); coding-DNA position 2380, C replaced by T.
Protein change: p.Gln794Ter; replaces glutamine 794 with a stop codon.
Molecular consequence: nonsense.
Genome position (GRCh38, 1-based): chr16:2,074,224, C>T. VCF-style: chr16-2074224-C-T. GRCh37 (hg19) VCF-style: chr16-2124225-C-T.
Other names: c.2380C>T, p.Gln794Ter (NM_001077183.3, NM_001114382.3, NM_001363528.2 and 3 more transcripts); c.2269C>T, p.Gln757Ter (NM_001318827.2); c.2233C>T, p.Gln745Ter (NM_001318829.2); c.1780C>T, p.Gln594Ter (NM_001318831.2); c.2413C>T, p.Gln805Ter (NM_001318832.2); short protein forms Q794*, Q594*, Q757*, Q805*, Q745*.
Identifiers: ClinVar variation 49583 (VCV000049583.4), dbSNP rs45517233, ClinGen allele CA017333.
Genomic context (GRCh38, chr16:2,074,224, plus strand): 5'-AAGCGGGTGGGGCCTGAGGTGTCCTGTCTCCTGCAGCGCGAGATGGTCTACTGCCTGGAG[C>T]AGGGCCTCATCCACCGCTGTGCCAGCCAGTGCGTCGTGGCCTTGTCCATCTGCAGCGTGG-3'